The following is an entry in ClinVar:

ClinVar aggregate classification (germline): Uncertain significance (1 of 4 stars; one submission).

Conditions:
Retinitis pigmentosa 39 (RP39). Identifiers: Orphanet 791, MedGen C3151138, MONDO:0013436, OMIM 613809.
Usher syndrome type 2A. Also called: RETINAL DISEASE IN USHER SYNDROME TYPE IIA, MODIFIER OF; USHER SYNDROME, TYPE IIA. Identifiers: Orphanet 231178, Orphanet 886, MedGen C1848634, MONDO:0010169, OMIM 276901.

Submission:

Geisinger Autism and Developmental Medicine Institute, Geisinger Health System
Classification: Uncertain significance for Usher syndrome type 2A; Retinitis pigmentosa 39. Last evaluated: 2018-04-12. Review status: criteria provided, single submitter. Criteria: ACMG CNV Guidelines, 2011. Collection method: provider interpretation. Allele origin: unknown.
Comment: Parental testing was not completed. This duplication includes two genes, KCTD3 and USH2A. The clinical significance of this duplication remain unclear at this time.

Single allele

Genes: KCTD3 (potassium channel tetramerization domain containing 3; plus strand), USH2A (usherin; minus strand). Cytogenetic location: 1q41.
Variant type: Duplication.
Identifiers: ClinVar variation 560149 (VCV000560149.3).